The following is an entry in ClinVar:

ClinVar aggregate classification (germline): Likely pathogenic (1 of 4 stars; one submission).

Conditions:
KBG syndrome (KBGS). Also called: ANKRD11-Related KBG Syndrome. Identifiers: Orphanet 2332, MedGen C0220687, MONDO:0007846, OMIM 148050.

Submission:

MGZ Medical Genetics Center
Classification: Likely pathogenic for KBG syndrome. Last evaluated: 2022-05-04. Review status: criteria provided, single submitter. Criteria: ACMG Guidelines, 2015. Collection method: clinical testing. Allele origin: germline. Affected: yes. Observed: 1 variant allele.
Comment: ACMG criteria applied: PVS1, PM2_SUP

NM_013275.6(ANKRD11):c.1063C>T (p.Gln355Ter)

Gene: ANKRD11 (ankyrin repeat domain 11; minus strand). Cytogenetic location: 16q24.3.
Variant type: single nucleotide variant.
Coding change: c.1063C>T on transcript NM_013275.6 (MANE Select); coding-DNA position 1063, C replaced by T.
Protein change: p.Gln355Ter; replaces glutamine 355 with a stop codon.
Molecular consequence: nonsense.
Genome position (GRCh38, 1-based): chr16:89,285,479, G>A on the plus strand (C>T on the coding strand, the complement: ANKRD11 is on the minus strand). VCF-style: chr16-89285479-G-A. GRCh37 (hg19) VCF-style: chr16-89351887-G-A.
Other names: c.1063C>T, p.Gln355Ter (NM_001256182.2, NM_001256183.2); short protein forms Q355*.
Identifiers: ClinVar variation 1709395 (VCV001709395.2), dbSNP rs2544246392, ClinGen allele CA397165796.